The following is an entry in ClinVar:

ClinVar aggregate classification (germline): Uncertain significance. Review status: criteria provided, multiple submitters, no conflicts (2 of 4 stars). 5 submissions from 5 submitters: Uncertain significance (5). Last evaluated 2025-11-11.

Conditions:
Familial thoracic aortic aneurysm and aortic dissection (TAAD). Also called: Thoracic aortic aneurysms and dissections. Identifiers: Orphanet 91387, MedGen C4707243, MONDO:0019625.
Aneurysm-osteoarthritis syndrome. Also called: SMAD3-Related Loeys-Dietz Syndrome; LOEYS-DIETZ SYNDROME WITH OSTEOARTHRITIS; ANEURYSMS-OSTEOARTHRITIS SYNDROME; Loeys-Dietz syndrome, type 1C. Identifiers: Orphanet 284984, MedGen C3151087, MONDO:0013426, OMIM 613795.

Allele frequency attached by ClinVar (database versions not stated): gnomAD exomes below 0.00001; gnomAD 0.00003; TOPMed 0.00003; ESP Exome Variant Server 0.00008.
gnomAD v4.1: 5 of 1,614,022 alleles (0.00031%); highest among the groups gnomAD compares: African/African-American, 0.0067%; no homozygotes.

Submissions (5):

Labcorp Genetics (formerly Invitae), Labcorp
Classification: Uncertain significance for Familial thoracic aortic aneurysm and aortic dissection. Last evaluated: 2025-11-11. Review status: criteria provided, single submitter. Criteria: Invitae Variant Classification Sherloc (09022015). Collection method: clinical testing. Allele origin: germline.
Comment: This sequence change replaces methionine, which is neutral and non-polar, with valine, which is neutral and non-polar, at codon 374 of the SMAD3 protein (p.Met374Val). This variant is present in population databases (rs370394986, gnomAD 0.01%). This variant has not been reported in the literature in individuals affected with SMAD3-related conditions. ClinVar contains an entry for this variant (Variation ID: 451520). Invitae Evidence Modeling of protein sequence and biophysical properties (such as structural, functional, and spatial information, amino acid conservation, physicochemical variation, residue mobility, and thermodynamic stability) indicates that this missense variant is not expected to disrupt SMAD3 protein function with a negative predictive value of 80%. In summary, the available evidence is currently insufficient to determine the role of this variant in disease. Therefore, it has been classified as a Variant of Uncertain Significance.

Color Diagnostics, LLC DBA Color Health
Classification: Uncertain significance for Familial thoracic aortic aneurysm and aortic dissection. Last evaluated: 2025-10-07. Review status: criteria provided, single submitter. Criteria: ACMG Guidelines, 2015. Collection method: clinical testing. Allele origin: germline.
Comment: This missense variant replaces methionine with valine at codon 374 of the SMAD3 protein. Computational prediction suggests that this variant may have deleterious impact on protein structure and function. To our knowledge, functional studies have not been reported for this variant. This variant has not been reported in individuals affected with SMAD3-related disorders in the literature. This variant has been identified in 5/1614022 chromosomes in the general population by the Genome Aggregation Database (gnomAD). The available evidence is insufficient to determine the role of this variant in disease conclusively. Therefore, this variant is classified as a Variant of Uncertain Significance.

Ambry Genetics
Classification: Uncertain significance for Familial thoracic aortic aneurysm and aortic dissection. Last evaluated: 2025-03-13. Review status: criteria provided, single submitter. Criteria: Ambry Variant Classification Scheme 2023. Collection method: clinical testing. Allele origin: germline.
Comment: The p.M374V variant (also known as c.1120A>G), located in coding exon 8 of the SMAD3 gene, results from an A to G substitution at nucleotide position 1120. The methionine at codon 374 is replaced by valine, an amino acid with highly similar properties. This amino acid position is highly conserved in available vertebrate species. In addition, this alteration is predicted to be deleterious by in silico analysis. Since supporting evidence is limited at this time, the clinical significance of this alteration remains unclear.

All of Us Research Program, National Institutes of Health
Classification: Uncertain significance for Aneurysm-osteoarthritis syndrome. Last evaluated: 2024-09-23. Review status: criteria provided, single submitter. Criteria: ACMG Guidelines, 2015. Collection method: clinical testing. Allele origin: germline. Inheritance: Autosomal dominant inheritance. Observed: 7 variant alleles, 7 heterozygotes.
Comment: This missense variant replaces methionine with valine at codon 374 of the SMAD3 protein. Computational prediction suggests that this variant may have deleterious impact on protein structure and function (internally defined REVEL score threshold >= 0.7, PMID: 27666373). To our knowledge, functional studies have not been reported for this variant. This variant has not been reported in individuals affected with cardiovascular disorders in the literature. This variant has been identified in 1/31404 chromosomes in the general population by the Genome Aggregation Database (gnomAD). The available evidence is insufficient to determine the role of this variant in disease conclusively. Therefore, this variant is classified as a Variant of Uncertain Significance.

This study involves interpretation of variants in research participants for the purpose of population health screening. Participant phenotype was not available at the time of variant classification. Additional details can be found in publication PMID: 35346344, PMCID: PMC8962531

GeneDx
Classification: Uncertain significance. Last evaluated: 2024-08-29. Review status: criteria provided, single submitter. Criteria: GeneDx Variant Classification Process June 2021. Collection method: clinical testing. Allele origin: germline. Affected: yes.
Comment: Not observed at significant frequency in large population cohorts (gnomAD); In silico analysis supports that this missense variant has a deleterious effect on protein structure/function; Has not been previously published as pathogenic or benign to our knowledge

NM_005902.4(SMAD3):c.1120A>G (p.Met374Val)

Gene: SMAD3 (SMAD family member 3; plus strand). Cytogenetic location: 15q22.33.
Variant type: single nucleotide variant.
Coding change: c.1120A>G on transcript NM_005902.4 (MANE Select); coding-DNA position 1120, A replaced by G.
Protein change: p.Met374Val; replaces methionine 374 with valine.
Molecular consequence: missense variant.
Genome position (GRCh38, 1-based): chr15:67,187,475, A>G. VCF-style: chr15-67187475-A-G. GRCh37 (hg19) VCF-style: chr15-67479813-A-G.
Other names: c.805A>G, p.Met269Val (NM_001145102.2); c.988A>G, p.Met330Val (NM_001145103.2); c.535A>G, p.Met179Val (NM_001145104.2); short protein forms M374V, M179V, M330V, M269V.
Identifiers: ClinVar variation 451520 (VCV000451520.19), dbSNP rs370394986, ClinGen allele CA272396734.